The following is an entry in ClinVar:

NM_001211.6(BUB1B):c.1187T>C (p.Met396Thr)

Gene: BUB1B (BUB1 mitotic checkpoint serine/threonine kinase B; plus strand). Cytogenetic location: 15q15.1.
Variant type: single nucleotide variant.
Coding change: c.1187T>C on transcript NM_001211.6 (MANE Select); coding-DNA position 1187, T replaced by C.
Protein change: p.Met396Thr; replaces methionine 396 with threonine.
Molecular consequence: missense variant.
Genome position (GRCh38, 1-based): chr15:40,196,673, T>C. VCF-style: chr15-40196673-T-C. GRCh37 (hg19) VCF-style: chr15-40488874-T-C.
Other names: short protein forms M396T.
Identifiers: ClinVar variation 642806 (VCV000642806.14), dbSNP rs923688322, ClinGen allele CA268791118.
Genomic context (GRCh38, chr15:40,196,673, plus strand): 5'-GAGATCCTCTACAAAGGGTTCAGAGCCATCAGCAAGCGTCTGAGGAGAAGAAAGAGAAGA[T>C]GATGTATTGTAAGGAGAAGATTTATGCAGGAGTAGGGGAATTCTCCTTTGAAGAAATTCG-3'
Protein context (NP_001202.5, residues 386-406): QQASEEKKEK[Met396Thr]MYCKEKIYAG

ClinVar aggregate classification (germline): Uncertain significance. Review status: criteria provided, multiple submitters, no conflicts (2 of 4 stars). 2 submissions from 2 submitters: Uncertain significance (2). Last evaluated 2024-01-07.

Conditions:
Inborn genetic diseases. Identifiers: MedGen C0950123, MeSH D030342.
Mosaic variegated aneuploidy syndrome 1 (MVA1). Also called: Warburton-Anyane-Yeboa syndrome. Identifiers: Orphanet 1052, MedGen C1850343, MONDO:0009759, OMIM 257300.

Allele frequency attached by ClinVar (database versions not stated): gnomAD exomes below 0.00001.
gnomAD v4.1: 9 of 1,613,930 alleles (0.00056%); highest among the groups gnomAD compares: Non-Finnish European, 0.00059%; no homozygotes.

Submissions (2):

Labcorp Genetics (formerly Invitae), Labcorp
Classification: Uncertain significance for Mosaic variegated aneuploidy syndrome 1. Last evaluated: 2024-01-07. Review status: criteria provided, single submitter. Criteria: Invitae Variant Classification Sherloc (09022015). Collection method: clinical testing. Allele origin: germline.
Comment: This sequence change replaces methionine, which is neutral and non-polar, with threonine, which is neutral and polar, at codon 396 of the BUB1B protein (p.Met396Thr). This variant is present in population databases (no rsID available, gnomAD 0.0009%). This variant has not been reported in the literature in individuals affected with BUB1B-related conditions. ClinVar contains an entry for this variant (Variation ID: 642806). An algorithm developed to predict the effect of missense changes on protein structure and function (PolyPhen-2) suggests that this variant is likely to be tolerated. In summary, the available evidence is currently insufficient to determine the role of this variant in disease. Therefore, it has been classified as a Variant of Uncertain Significance.

Ambry Genetics
Classification: Uncertain significance for Inborn genetic diseases. Last evaluated: 2021-11-23. Review status: criteria provided, single submitter. Criteria: Ambry Variant Classification Scheme 2023. Collection method: clinical testing. Allele origin: germline.
Comment: The p.M396T variant (also known as c.1187T>C), located in coding exon 9 of the BUB1B gene, results from a T to C substitution at nucleotide position 1187. The methionine at codon 396 is replaced by threonine, an amino acid with similar properties. This amino acid position is conserved. In addition, this alteration is predicted to be tolerated by in silico analysis. Since supporting evidence is limited at this time, the clinical significance of this alteration remains unclear.